The following is an entry in ClinVar:

NM_004385.5(VCAN):c.9301G>A (p.Gly3101Arg)

Genes: VCAN (versican; plus strand), VCAN-AS1 (VCAN antisense RNA 1; minus strand). Cytogenetic location: 5q14.3.
Variant type: single nucleotide variant.
Coding change: c.9301G>A on transcript NM_004385.5 (MANE Select); coding-DNA position 9301, G replaced by A.
Protein change: p.Gly3101Arg; replaces glycine 3101 with arginine.
Molecular consequence: missense variant.
Genome position (GRCh38, 1-based): chr5:83,545,572, G>A. VCF-style: chr5-83545572-G-A. GRCh37 (hg19) VCF-style: chr5-82841391-G-A.
Other names: c.1078G>A, p.Gly360Arg (NM_001126336.3); c.6340G>A, p.Gly2114Arg (NM_001164097.2); c.4039G>A, p.Gly1347Arg (NM_001164098.2); short protein forms G360R, G1347R, G2114R, G3101R.
Identifiers: ClinVar variation 1401088 (VCV001401088.9), dbSNP rs150952901, ClinGen allele CA3333966.
Genomic context (GRCh38, chr5:83,545,572, plus strand): 5'-TTTCTTACTTTCCTGAATATGGTAGGACCTGATCGCTGCAAAATGAACCCGTGCCTTAAC[G>A]GAGGCACCTGTTATCCTACTGAAACTTCCTACGTATGCACCTGTGTGCCAGGATACAGCG-3'
Protein context (NP_004376.2, residues 3091-3111): DRCKMNPCLN[Gly3101Arg]GTCYPTETSY

ClinVar aggregate classification (germline): Conflicting classifications of pathogenicity. Review status: criteria provided, conflicting classifications (1 of 4 stars). 2 submissions from 2 submitters: Uncertain significance (1); Likely benign (1). Last evaluated 2025-09-06.

Allele frequency attached by ClinVar (database versions not stated): gnomAD exomes 0.00001 and 0.00004; TOPMed 0.00001; ExAC 0.00002; gnomAD 0.00002 and 0.00003; ESP Exome Variant Server 0.00008.
gnomAD v4.1: 55 of 1,614,088 alleles (0.0034%); highest among the groups gnomAD compares: Middle Eastern, 0.017%; no homozygotes.

Submissions (2):

Labcorp Genetics (formerly Invitae), Labcorp
Classification: Uncertain significance. Last evaluated: 2025-09-06. Review status: criteria provided, single submitter. Criteria: Invitae Variant Classification Sherloc (09022015). Collection method: clinical testing. Allele origin: germline.
Comment: This sequence change replaces glycine, which is neutral and non-polar, with arginine, which is basic and polar, at codon 3101 of the VCAN protein (p.Gly3101Arg). This variant is present in population databases (rs150952901, gnomAD 0.003%). This variant has not been reported in the literature in individuals affected with VCAN-related conditions. ClinVar contains an entry for this variant (Variation ID: 1401088). An algorithm developed to predict the effect of missense changes on protein structure and function (PolyPhen-2) suggests that this variant is likely to be disruptive. In summary, the available evidence is currently insufficient to determine the role of this variant in disease. Therefore, it has been classified as a Variant of Uncertain Significance.

Blueprint Genetics
Classification: Likely benign. Last evaluated: 2024-05-30. Review status: criteria provided, single submitter. Criteria: ACMG Guidelines, 2015. Collection method: clinical testing. Allele origin: germline.